The following is an entry in ClinVar:

ClinVar aggregate classification (germline): Pathogenic. Review status: criteria provided, multiple submitters, no conflicts (2 of 4 stars). 3 submissions from 3 submitters: Pathogenic (3). Last evaluated 2023-03-01.

Conditions:
Hereditary cancer-predisposing syndrome. Also called: Neoplastic Syndromes, Hereditary; Tumor predisposition; Hereditary Cancer Syndrome; Hereditary neoplastic syndrome. Identifiers: Orphanet 140162, MedGen C0027672, MeSH D009386, MONDO:0015356.
Hereditary breast ovarian cancer syndrome. Also called: BRCA1- and BRCA2-Associated Hereditary Breast and Ovarian Cancer; Hereditary breast and ovarian cancer syndrome; Hereditary breast and ovarian cancer; Hereditary breast and ovarian cancer syndrome (HBOC); Breast and ovarian cancer; Hereditary breast and/or ovarian cancer syndrome. Identifiers: Orphanet 145, MedGen C0677776, MeSH D061325, MONDO:0003582. Disease mechanism: loss of function.

Submissions (3):

GeneDx
Classification: Pathogenic. Last evaluated: 2023-03-01. Review status: criteria provided, single submitter. Criteria: GeneDx Variant Classification Process June 2021. Collection method: clinical testing. Allele origin: germline. Affected: yes.
Comment: Nonsense variant predicted to result in protein truncation or nonsense mediated decay in a gene for which loss of function is a known mechanism of disease; Not observed at significant frequency in large population cohorts (gnomAD); Truncating variants in this gene are considered pathogenic by a well-established clinical consortium and/or database; Has not been previously published as pathogenic or benign to our knowledge; Also known as 4875G>T; This variant is associated with the following publications: (PMID: 34721658)

Labcorp Genetics (formerly Invitae), Labcorp
Classification: Pathogenic for Hereditary breast ovarian cancer syndrome. Last evaluated: 2021-01-27. Review status: criteria provided, single submitter. Criteria: Invitae Variant Classification Sherloc (09022015). Collection method: clinical testing. Allele origin: germline.
Comment: For these reasons, this variant has been classified as Pathogenic. This variant has not been reported in the literature in individuals with BRCA1-related conditions. ClinVar contains an entry for this variant (Variation ID: 919813). This variant is not present in population databases (ExAC no frequency). This sequence change creates a premature translational stop signal (p.Glu1586*) in the BRCA1 gene. It is expected to result in an absent or disrupted protein product. Loss-of-function variants in BRCA1 are known to be pathogenic (PMID: 20104584).

Color Diagnostics, LLC DBA Color Health
Classification: Pathogenic for Hereditary cancer-predisposing syndrome. Last evaluated: 2020-01-15. Review status: criteria provided, single submitter. Criteria: ACMG Guidelines, 2015. Collection method: clinical testing. Allele origin: germline.
Comment: This variant changes 1 nucleotide in exon 15 of the BRCA1 gene, creating a premature translation stop signal. This variant is expected to result in an absent or non-functional protein product. This variant has not been identified in the general population by the Genome Aggregation Database (gnomAD). Loss of BRCA1 function is a known mechanism of disease. Based on the available evidence, this variant is classified as Pathogenic.

Literature cited by the submitters: PubMed 20104584 (cited by Labcorp Genetics (formerly Invitae), Labcorp).

NM_007294.4(BRCA1):c.4756G>T (p.Glu1586Ter)

Gene: BRCA1 (BRCA1 DNA repair associated; minus strand). Cytogenetic location: 17q21.31.
Variant type: single nucleotide variant.
Coding change: c.4756G>T on transcript NM_007294.4 (MANE Select); coding-DNA position 4756, G replaced by T.
Protein change: p.Glu1586Ter; replaces glutamic acid 1586 with a stop codon.
Molecular consequence: nonsense. On other transcripts: non-coding transcript variant (1).
Genome position (GRCh38, 1-based): chr17:43,071,158, C>A on the plus strand (G>T on the coding strand, the complement: BRCA1 is on the minus strand). VCF-style: chr17-43071158-C-A. GRCh37 (hg19) VCF-style: chr17-41223175-C-A.
Other names: c.4750G>T, p.Glu1584Ter (NM_001407634.1, NM_001407635.1, NM_001407636.1 and 14 more transcripts); c.1234G>T, p.Glu412Ter (NM_001408489.1, NM_001408490.1, NM_001408491.1 and 5 more transcripts); c.1231G>T, p.Glu411Ter (NM_001408492.1, NM_001408493.1); c.1183G>T, p.Glu395Ter (NM_001408497.1, NM_001408496.1, NM_001408498.1 and 3 more transcripts); c.1207G>T, p.Glu403Ter (NM_001408494.1); c.1201G>T, p.Glu401Ter (NM_001408495.1); c.4492G>T, p.Glu1498Ter (NM_001407922.1, NM_001407923.1, NM_001407924.1 and 4 more transcripts); c.4489G>T, p.Glu1497Ter (NM_001407927.1, NM_001407928.1, NM_001407929.1 and 4 more transcripts); and 70 more; short protein forms E1607*, E482*, E1586*, E1539*, E1290*, E1417*, E1457*, E1459*.
Identifiers: ClinVar variation 919813 (VCV000919813.10), dbSNP rs2052414656, ClinGen allele CA10591996.